The following is an entry in ClinVar:

ClinVar aggregate classification (germline): Uncertain significance (1 of 4 stars; one submission).

Conditions:
Inborn genetic diseases. Identifiers: MedGen C0950123, MeSH D030342.

Submission:

Ambry Genetics
Classification: Uncertain significance for Inborn genetic diseases. Last evaluated: 2025-11-15. Review status: criteria provided, single submitter. Criteria: Ambry Variant Classification Scheme 2023. Collection method: clinical testing. Allele origin: germline.
Comment: The p.P141H variant (also known as c.422C>A), located in coding exon 5 of the DDX41 gene, results from a C to A substitution at nucleotide position 422. The proline at codon 141 is replaced by histidine, an amino acid with similar properties. This amino acid position is conserved. In addition, the in silico prediction for this alteration is inconclusive. Based on the available evidence, the clinical significance of this variant remains unclear.

NM_016222.4(DDX41):c.422C>A (p.Pro141His)

Gene: DDX41 (DEAD-box helicase 41; minus strand). Cytogenetic location: 5q35.3.
Variant type: single nucleotide variant.
Coding change: c.422C>A on transcript NM_016222.4 (MANE Select); coding-DNA position 422, C replaced by A.
Protein change: p.Pro141His; replaces proline 141 with histidine.
Molecular consequence: missense variant.
Genome position (GRCh38, 1-based): chr5:177,515,941, G>T on the plus strand (C>A on the coding strand, the complement: DDX41 is on the minus strand). VCF-style: chr5-177515941-G-T. GRCh37 (hg19) VCF-style: chr5-176942942-G-T.
Other names: c.44C>A, p.Pro15His (NM_001321732.2, NM_001321830.2); short protein forms P141H, P15H.
Identifiers: ClinVar variation 4617196 (VCV004617196.1).
Genomic context (GRCh38, chr5:177,515,941, plus strand): 5'-TGCATGTACCATCCTAAGCAAGGGCAACTGCAGACTGTACAGACATACCTGGTTTTGATG[G>T]GGTCATCATACGTAATGCCCTTAGCCATCTCCTTCACTGACATCAATGCTGAAGAGAGAG-3'
Protein context (NP_057306.2, residues 131-151): EMAKGITYDD[Pro141His]IKTSWTPPRY